The following is an entry in ClinVar:

NM_021973.3(HAND2):c.78_92del (p.Ala28_Ala32del)

Genes: HAND2 (heart and neural crest derivatives expressed 2; minus strand), HAND2-AS1 (HAND2 antisense RNA 1; plus strand). Cytogenetic location: 4q34.1.
Variant type: Deletion.
Coding change: c.78_92del on transcript NM_021973.3 (MANE Select); coding-DNA positions 78 to 92, 15 bases deleted (AGCTGCCGCCGCCGC).
Protein change: p.Ala28_Ala32del.
Molecular consequence: inframe deletion.
Genome position (GRCh38, 1-based): chr4:173,529,198-173,529,212, GCGGCGGCGGCAGCT deleted on the plus strand (AGCTGCCGCCGCCGC on the coding strand, the reverse complement: HAND2 is on the minus strand); deleting any 15 consecutive bases within chr4:173,529,198-173,529,223 gives the same sequence; the c. name uses the placement nearest the transcript's 3' end. VCF-style (leftmost placement, unchanged base first): chr4-173529197-GGCGGCGGCGGCAGCT-G. GRCh37 (hg19) VCF-style: chr4-174450348-GGCGGCGGCGGCAGCT-G.
Identifiers: ClinVar variation 2973129 (VCV002973129.3), dbSNP rs1184199871, ClinGen allele CA556931430.

ClinVar aggregate classification (germline): Uncertain significance (1 of 4 stars; one submission).

Submission:

Labcorp Genetics (formerly Invitae), Labcorp
Classification: Uncertain significance. Last evaluated: 2023-11-05. Review status: criteria provided, single submitter. Criteria: Invitae Variant Classification Sherloc (09022015). Collection method: clinical testing. Allele origin: germline.
Comment: This variant, c.78_92del, results in the deletion of 5 amino acid(s) of the HAND2 protein (p.Ala28_Ala32del), but otherwise preserves the integrity of the reading frame. The frequency data for this variant in the population databases is considered unreliable, as metrics indicate poor data quality at this position in the gnomAD database. This variant has not been reported in the literature in individuals affected with HAND2-related conditions. Experimental studies and prediction algorithms are not available or were not evaluated, and the functional significance of this variant is currently unknown. In summary, the available evidence is currently insufficient to determine the role of this variant in disease. Therefore, it has been classified as a Variant of Uncertain Significance.